The following is an entry in ClinVar:

NM_001354930.2(RIPK1):c.84T>C (p.Phe28=)

Gene: RIPK1 (receptor interacting serine/threonine kinase 1; plus strand). Cytogenetic location: 6p25.2.
Variant type: single nucleotide variant.
Coding change: c.84T>C on transcript NM_001354930.2 (MANE Select); coding-DNA position 84, T replaced by C.
Protein change: p.Phe28=; no amino-acid change (phenylalanine 28 retained).
Molecular consequence: synonymous variant. On other transcripts: 5 prime UTR variant (4).
Genome position (GRCh38, 1-based): chr6:3,076,907, T>C. VCF-style: chr6-3076907-T-C. GRCh37 (hg19) VCF-style: chr6-3077141-T-C.
Other names: p.Phe28=; c.-520T>C (NM_001317061.3, NM_001354932.2, NM_001354933.2 and 1 more transcripts); c.84T>C, p.Phe28= (NM_001354931.2, NM_003804.6).
Identifiers: ClinVar variation 1166905 (VCV001166905.16), dbSNP rs2272990, ClinGen allele CA3618063.

ClinVar aggregate classification (germline): Benign. Review status: criteria provided, multiple submitters, no conflicts (2 of 4 stars). 7 submissions from 6 submitters: Benign (7). Last evaluated 2026-02-04.

Conditions:
Autoinflammation with episodic fever and lymphadenopathy. Also called: CLEAVAGE-RESISTANT RIPK1-INDUCED AUTOINFLAMMATORY SYNDROME; CRIA SYNDROME. Identifiers: MedGen C5394286, MONDO:0030018, OMIM 618852.
Immunodeficiency 57. Also called: IMMUNODEFICIENCY 57 WITH AUTOINFLAMMATION. Identifiers: MedGen C4748212, MONDO:0020849, OMIM 618108.

Allele frequency attached by ClinVar (database versions not stated): 1000 Genomes Project 0.84884; 1000 Genomes Project 30x 0.85150; TOPMed 0.89841; gnomAD 0.90393 and 0.90445; gnomAD exomes 0.91346 and 0.94715; ExAC 0.91479; ESP Exome Variant Server 0.91481.
gnomAD v4.1: 1,519,458 of 1,611,990 alleles (94%); highest among the groups gnomAD compares: Non-Finnish European, 96%; 718,360 homozygotes.

Submissions (7):

Labcorp Genetics (formerly Invitae), Labcorp
Classification: Benign. Last evaluated: 2026-02-04. Review status: criteria provided, single submitter. Criteria: Invitae Variant Classification Sherloc (09022015). Collection method: clinical testing. Allele origin: germline.

Women's Health and Genetics/Laboratory Corporation of America, LabCorp
Classification: Benign. Last evaluated: 2026-01-21. Review status: criteria provided, single submitter. Criteria: LabCorp Variant Classification Summary - May 2015. Collection method: clinical testing. Allele origin: germline.

Blueprint Genetics
Classification: Benign. Last evaluated: 2024-11-27. Review status: criteria provided, single submitter. Criteria: ACMG Guidelines, 2015. Collection method: clinical testing. Allele origin: germline.

Unidad de Genómica Garrahan, Hospital de Pediatría Garrahan
Classification: Benign. Last evaluated: 2023-11-12. Review status: criteria provided, single submitter. Criteria: ACMG Guidelines, 2015. Collection method: clinical testing. Allele origin: germline. Affected: no. Observed: 95 variant alleles.
Comment: This variant is classified as Benign based on local population frequency. This variant was detected in 99% of patients studied by a panel of primary immunodeficiencies. Number of patients: 95. Only high quality variants are reported.

Mayo Clinic Laboratories, Mayo Clinic
Classification: Benign. Last evaluated: 2022-09-06. Review status: criteria provided, single submitter. Criteria: ACMG Guidelines, 2015. Collection method: clinical testing. Allele origin: germline. Observed: 575 variant alleles.

Genome-Nilou Lab
Classification: Benign for Autoinflammation with episodic fever and lymphadenopathy. Last evaluated: 2021-11-07. Review status: criteria provided, single submitter. Criteria: ACMG Guidelines, 2015. Collection method: clinical testing. Allele origin: germline. Affected: no.

Genome-Nilou Lab
Classification: Benign for Immunodeficiency 57. Last evaluated: 2021-11-07. Review status: criteria provided, single submitter. Criteria: ACMG Guidelines, 2015. Collection method: clinical testing. Allele origin: germline. Affected: no.